The following is an entry in ClinVar:

NM_001291867.2(NHS):c.827A>G (p.Glu276Gly)

Gene: NHS (NHS actin remodeling regulator; plus strand). Cytogenetic location: Xp22.13.
Variant type: single nucleotide variant.
Coding change: c.827A>G on transcript NM_001291867.2 (MANE Select); coding-DNA position 827, A replaced by G.
Protein change: p.Glu276Gly; replaces glutamic acid 276 with glycine.
Molecular consequence: missense variant.
Genome position (GRCh38, 1-based): chrX:17,692,443, A>G. VCF-style: chrX-17692443-A-G. GRCh37 (hg19) VCF-style: chrX-17710563-A-G.
Other names: c.296A>G, p.Glu99Gly (NM_001136024.4, NM_001291868.2); c.827A>G, p.Glu276Gly (NM_198270.4); short protein forms E276G, E99G.
Identifiers: ClinVar variation 283559 (VCV000283559.7), dbSNP rs886042656, ClinGen allele CA10604528.

ClinVar aggregate classification (germline): Uncertain significance. Review status: criteria provided, multiple submitters, no conflicts (2 of 4 stars). 2 submissions from 2 submitters: Uncertain significance (2). Last evaluated 2025-01-08.

Conditions:
Nance-Horan syndrome (NHS). Identifiers: Orphanet 627, MedGen C0796085, MONDO:0010545, OMIM 302350.

Allele frequency attached by ClinVar (database versions not stated): gnomAD exomes below 0.00001; TOPMed 0.00001; gnomAD 0.00005.
gnomAD v4.1: 2 of 1,210,016 alleles (0.00017%); highest among the groups gnomAD compares: African/African-American, 0.0035%; no homozygotes.

Submissions (2):

Labcorp Genetics (formerly Invitae), Labcorp
Classification: Uncertain significance for Nance-Horan syndrome. Last evaluated: 2025-01-08. Review status: criteria provided, single submitter. Criteria: Invitae Variant Classification Sherloc (09022015). Collection method: clinical testing. Allele origin: germline.
Comment: This sequence change replaces glutamic acid, which is acidic and polar, with glycine, which is neutral and non-polar, at codon 276 of the NHS protein (p.Glu276Gly). This variant is present in population databases (no rsID available, gnomAD 0.02%), including at least one homozygous and/or hemizygous individual. This variant has not been reported in the literature in individuals affected with NHS-related conditions. ClinVar contains an entry for this variant (Variation ID: 283559). Invitae Evidence Modeling of protein sequence and biophysical properties (such as structural, functional, and spatial information, amino acid conservation, physicochemical variation, residue mobility, and thermodynamic stability) indicates that this missense variant is not expected to disrupt NHS protein function with a negative predictive value of 80%. In summary, the available evidence is currently insufficient to determine the role of this variant in disease. Therefore, it has been classified as a Variant of Uncertain Significance.

Eurofins Ntd Llc (ga)
Classification: Uncertain significance. Last evaluated: 2015-09-25. Review status: criteria provided, single submitter. Criteria: EGL Classification Definitions 2015. Collection method: clinical testing. Allele origin: germline. Observed: 1 variant allele, 1 heterozygote.